The following is an entry in ClinVar:

NM_000451.4(SHOX):c.169C>T (p.Gln57Ter)

Gene: SHOX (SHOX homeobox; plus strand). Cytogenetic location: Xp22.33.
Variant type: single nucleotide variant.
Coding change: c.169C>T on transcript NM_000451.4 (MANE Select); coding-DNA position 169, C replaced by T.
Protein change: p.Gln57Ter; replaces glutamine 57 with a stop codon.
Molecular consequence: nonsense.
Genome position (GRCh38, 1-based): chrX:631,066, C>T. VCF-style: chrX-631066-C-T. GRCh37 (hg19) VCF-style: chrX-591801-C-T.
Other names: c.169C>T, p.Gln57Ter (NM_006883.2); short protein forms Q57*.
Identifiers: ClinVar variation 3340312 (VCV003340312.1).

ClinVar aggregate classification (germline): Likely pathogenic (1 of 4 stars; one submission).

Submission:

GeneDx
Classification: Likely pathogenic. Last evaluated: 2023-06-12. Review status: criteria provided, single submitter. Criteria: GeneDx Variant Classification Process June 2021. Collection method: clinical testing. Allele origin: germline. Affected: yes.
Comment: Nonsense variant predicted to result in protein truncation or nonsense mediated decay in a gene for which loss of function is a known mechanism of disease; Not observed at significant frequency in large population cohorts (gnomAD); Identified in a patient with Leri-Weill dyschondrosteosis, but additional clinical information was not provided (Auger et al., 2016); This variant is associated with the following publications: (PMID: 27676402)